The following is an entry in ClinVar:

NM_001083116.3(PRF1):c.112G>C (p.Val38Leu)

Gene: PRF1 (perforin 1; minus strand). Cytogenetic location: 10q22.1.
Variant type: single nucleotide variant.
Coding change: c.112G>C on transcript NM_001083116.3 (MANE Select); coding-DNA position 112, G replaced by C.
Protein change: p.Val38Leu; replaces valine 38 with leucine.
Molecular consequence: missense variant.
Genome position (GRCh38, 1-based): chr10:70,600,791, C>G on the plus strand (G>C on the coding strand, the complement: PRF1 is on the minus strand). VCF-style: chr10-70600791-C-G. GRCh37 (hg19) VCF-style: chr10-72360547-C-G.
Other names: c.112G>C, p.Val38Leu (NM_005041.6); short protein forms V38L.
Identifiers: ClinVar variation 1347242 (VCV001347242.7), dbSNP rs201909472, ClinGen allele CA209370202.

ClinVar aggregate classification (germline): Uncertain significance (1 of 4 stars; one submission).

Conditions:
Familial hemophagocytic lymphohistiocytosis 2 (FHL2). Also called: PRF1-Related Familial Hemophagocytic Lymphohistiocytosis (PRF1-fHLH). Identifiers: Orphanet 540, MedGen C1863727, MONDO:0011337, OMIM 603553.

Submission:

Labcorp Genetics (formerly Invitae), Labcorp
Classification: Uncertain significance for Familial hemophagocytic lymphohistiocytosis 2. Last evaluated: 2024-05-22. Review status: criteria provided, single submitter. Criteria: Invitae Variant Classification Sherloc (09022015). Collection method: clinical testing. Allele origin: germline.
Comment: This sequence change replaces valine, which is neutral and non-polar, with leucine, which is neutral and non-polar, at codon 38 of the PRF1 protein (p.Val38Leu). This variant is not present in population databases (gnomAD no frequency). This missense change has been observed in individual(s) with familial hemophagocytic lymphohisitiocytosis (PMID: 18710388). ClinVar contains an entry for this variant (Variation ID: 1347242). Advanced modeling of protein sequence and biophysical properties (such as structural, functional, and spatial information, amino acid conservation, physicochemical variation, residue mobility, and thermodynamic stability) has been performed at Invitae for this missense variant, however the output from this modeling did not meet the statistical confidence thresholds required to predict the impact of this variant on PRF1 protein function. In summary, the available evidence is currently insufficient to determine the role of this variant in disease. Therefore, it has been classified as a Variant of Uncertain Significance.

Literature cited by the submitters: PubMed 18710388.